The following is an entry in ClinVar:

NM_000094.4(COL7A1):c.4258C>T (p.Pro1420Ser)

Gene: COL7A1 (collagen type VII alpha 1 chain; minus strand). Cytogenetic location: 3p21.31.
Variant type: single nucleotide variant.
Coding change: c.4258C>T on transcript NM_000094.4 (MANE Select); coding-DNA position 4258, C replaced by T.
Protein change: p.Pro1420Ser; replaces proline 1420 with serine.
Molecular consequence: missense variant.
Genome position (GRCh38, 1-based): chr3:48,583,920, G>A on the plus strand (C>T on the coding strand, the complement: COL7A1 is on the minus strand). VCF-style: chr3-48583920-G-A. GRCh37 (hg19) VCF-style: chr3-48621353-G-A.
Other names: short protein forms P1420S.
Identifiers: ClinVar variation 2989892 (VCV002989892.1), dbSNP rs1157310520, ClinGen allele CA352694107.

ClinVar aggregate classification (germline): Uncertain significance (1 of 4 stars; one submission).

Allele frequency attached by ClinVar (database versions not stated): gnomAD exomes below 0.00001; TOPMed 0.00002.
gnomAD v4.1: 4 of 1,613,972 alleles (0.00025%); highest among the groups gnomAD compares: African/African-American, 0.0053%; no homozygotes.

Submission:

Labcorp Genetics (formerly Invitae), Labcorp
Classification: Uncertain significance. Last evaluated: 2023-06-04. Review status: criteria provided, single submitter. Criteria: Invitae Variant Classification Sherloc (09022015). Collection method: clinical testing. Allele origin: germline.
Comment: In summary, the available evidence is currently insufficient to determine the role of this variant in disease. Therefore, it has been classified as a Variant of Uncertain Significance. Advanced modeling of protein sequence and biophysical properties (such as structural, functional, and spatial information, amino acid conservation, physicochemical variation, residue mobility, and thermodynamic stability) performed at Invitae indicates that this missense variant is not expected to disrupt COL7A1 protein function. This variant has not been reported in the literature in individuals affected with COL7A1-related conditions. This variant is not present in population databases (gnomAD no frequency). This sequence change replaces proline, which is neutral and non-polar, with serine, which is neutral and polar, at codon 1420 of the COL7A1 protein (p.Pro1420Ser).